The following is an entry in ClinVar:

ClinVar aggregate classification (germline): Uncertain significance (1 of 4 stars; one submission).

Allele frequency attached by ClinVar (database versions not stated): gnomAD exomes 0.00001.
gnomAD v4.1: 8 of 1,612,684 alleles (0.0005%); highest among the groups gnomAD compares: Non-Finnish European, 0.00068%; no homozygotes.

Submission:

Labcorp Genetics (formerly Invitae), Labcorp
Classification: Uncertain significance. Last evaluated: 2021-07-31. Review status: criteria provided, single submitter. Criteria: Invitae Variant Classification Sherloc (09022015). Collection method: clinical testing. Allele origin: germline.
Comment: In summary, the available evidence is currently insufficient to determine the role of this variant in disease. Therefore, it has been classified as a Variant of Uncertain Significance. Advanced modeling of protein sequence and biophysical properties (such as structural, functional, and spatial information, amino acid conservation, physicochemical variation, residue mobility, and thermodynamic stability) performed at Invitae indicates that this missense variant is not expected to disrupt COL2A1 protein function. This variant has not been reported in the literature in individuals affected with COL2A1-related conditions. This variant is not present in population databases (ExAC no frequency). This sequence change replaces proline with leucine at codon 811 of the COL2A1 protein (p.Pro811Leu). The proline residue is highly conserved and there is a moderate physicochemical difference between proline and leucine.

NM_001844.5(COL2A1):c.2432C>T (p.Pro811Leu)

Gene: COL2A1 (collagen type II alpha 1 chain; minus strand). Cytogenetic location: 12q13.11.
Variant type: single nucleotide variant.
Coding change: c.2432C>T on transcript NM_001844.5 (MANE Select); coding-DNA position 2432, C replaced by T.
Protein change: p.Pro811Leu; replaces proline 811 with leucine.
Molecular consequence: missense variant.
Genome position (GRCh38, 1-based): chr12:47,981,374, G>A on the plus strand (C>T on the coding strand, the complement: COL2A1 is on the minus strand). VCF-style: chr12-47981374-G-A. GRCh37 (hg19) VCF-style: chr12-48375157-G-A.
Other names: c.2225C>T, p.Pro742Leu (NM_033150.3); short protein forms P742L, P811L.
Identifiers: ClinVar variation 1377145 (VCV001377145.8), dbSNP rs2136542077, ClinGen allele CA384545238.